The following is an entry in ClinVar:

ClinVar aggregate classification (germline): Uncertain significance. Review status: criteria provided, multiple submitters, no conflicts (2 of 4 stars). 5 submissions from 5 submitters: Uncertain significance (5). Last evaluated 2025-07-16.

Conditions:
SPG7-related disorder. Also called: SPG7-related condition.
Retinal dystrophy. Also called: Inherited retinal dystrophy. Identifiers: Orphanet 71862, MedGen C0854723, MeSH D058499, MONDO:0019118, HP:0000556.
Hereditary spastic paraplegia 7 (SPG7). Also called: Spastic paraplegia 7; Hereditary spastic paraplegia Paraplegin type; Autosomal recessive spastic paraplegia type 7; SPG7-related neurologic disorder; SPASTIC PARAPLEGIA 7, AUTOSOMAL RECESSIVE, WITH OR WITHOUT CEREBELLAR ATAXIA. Identifiers: Orphanet 99013, MedGen C1846564, MONDO:0011803, OMIM 607259.

Allele frequency attached by ClinVar (database versions not stated): ExAC 0.00001; gnomAD 0.00001; gnomAD exomes 0.00001; TOPMed 0.00003.
gnomAD v4.1: 26 of 1,613,652 alleles (0.0016%); highest among the groups gnomAD compares: East Asian, 0.0022%; no homozygotes.

Submissions (5):

PreventionGenetics, part of Exact Sciences
Classification: Uncertain significance for SPG7-related condition. Last evaluated: 2025-07-16. Review status: criteria provided, single submitter. Criteria: ACMG Guidelines, 2015. Collection method: clinical testing. Allele origin: germline.
Comment: The SPG7 c.1235C>T variant is predicted to result in the amino acid substitution p.Ala412Val. This variant was reported in an individual with amyotrophic lateral sclerosis (Supplementary Table 2 in Tripolszki et al. 2019. PubMed ID: 31475037). This variant is reported in 0.0023% of alleles in individuals of European (Non-Finnish) descent in gnomAD. At this time, the clinical significance of this variant is uncertain due to the absence of conclusive functional and genetic evidence.

Women's Health and Genetics/Laboratory Corporation of America, LabCorp
Classification: Uncertain significance. Last evaluated: 2023-11-15. Review status: criteria provided, single submitter. Criteria: LabCorp Variant Classification Summary - May 2015. Collection method: clinical testing. Allele origin: germline.
Comment: Variant summary: SPG7 c.1235C>T (p.Ala412Val) results in a non-conservative amino acid change located in the AAA+ ATPase domain (IPR003593) of the encoded protein sequence. Five of five in-silico tools predict a damaging effect of the variant on protein function. The variant allele was found at a frequency of 8e-06 in 250650 control chromosomes (gnomAD). The available data on variant occurrences in the general population are insufficient to allow any conclusion about variant significance. c.1235C>T has been reported in the literature in an individual affected with Amyotrophic lateral sclerosis without strong evidence of causality (Tripolszki_2019). This report does not provide unequivocal conclusions about association of the variant with Hereditary Spastic Paraplegia 7. To our knowledge, no experimental evidence demonstrating an impact on protein function has been reported. The following publication has been ascertained in the context of this evaluation (PMID: 31475037). Two submitters have cited clinical-significance assessments for this variant to ClinVar after 2014. Both submitters classified the variant as uncertain significance. Based on the evidence outlined above, the variant was classified as uncertain significance.

Institute of Human Genetics, Univ. Regensburg, Univ. Regensburg
Classification: Uncertain significance for Retinal dystrophy. Last evaluated: 2022-01-01. Review status: criteria provided, single submitter. Criteria: ACMG Guidelines, 2015. Collection method: clinical testing. Allele origin: germline. Affected: yes.

Fulgent Genetics
Classification: Uncertain significance for Hereditary spastic paraplegia 7. Last evaluated: 2021-09-22. Review status: criteria provided, single submitter. Criteria: ACMG Guidelines, 2015. Collection method: clinical testing. Allele origin: unknown.

GeneDx
Classification: Uncertain significance. Last evaluated: 2019-12-04. Review status: criteria provided, single submitter. Criteria: GeneDx Variant Classification Process June 2021. Collection method: clinical testing. Allele origin: germline. Affected: yes.
Comment: Not observed at a significant frequency in large population cohorts (Lek et al., 2016); In silico analysis, which includes protein predictors and evolutionary conservation, supports a deleterious effect; Has not been previously published as pathogenic or benign to our knowledge; This variant is associated with the following publications: (PMID: 31475037)

Literature cited by the submitters: PubMed 31475037 (cited by Women's Health and Genetics/Laboratory Corporation of America, LabCorp and Institute of Human Genetics, Univ. Regensburg, Univ. Regensburg).

NM_003119.4(SPG7):c.1235C>T (p.Ala412Val)

Gene: SPG7 (SPG7 matrix AAA peptidase subunit, paraplegin; plus strand). Cytogenetic location: 16q24.3.
Variant type: single nucleotide variant.
Coding change: c.1235C>T on transcript NM_003119.4 (MANE Select); coding-DNA position 1235, C replaced by T.
Protein change: p.Ala412Val; replaces alanine 412 with valine.
Molecular consequence: missense variant.
Genome position (GRCh38, 1-based): chr16:89,532,547, C>T. VCF-style: chr16-89532547-C-T. GRCh37 (hg19) VCF-style: chr16-89598955-C-T.
Other names: c.1235C>T, p.Ala412Val (NM_001363850.1, NM_199367.3); c.1235C>T (NM_003119.3); short protein forms A412V.
Identifiers: ClinVar variation 1310847 (VCV001310847.6), dbSNP rs746668495, ClinGen allele CA8244005.